The following is an entry in ClinVar:

ClinVar aggregate classification (germline): Likely pathogenic (1 of 4 stars; one submission).

Conditions:
Hereditary cancer-predisposing syndrome. Also called: Hereditary neoplastic syndrome; Neoplastic Syndromes, Hereditary; Tumor predisposition; Hereditary Cancer Syndrome. Identifiers: Orphanet 140162, MedGen C0027672, MeSH D009386, MONDO:0015356.

Submission:

Ambry Genetics
Classification: Likely pathogenic for Hereditary cancer-predisposing syndrome. Last evaluated: 2026-08-25. Review status: criteria provided, single submitter. Criteria: Ambry Variant Classification Scheme 2023. Collection method: clinical testing. Allele origin: germline.
Comment: The c.506A>T variant (also known as p.Q169L), located in coding exon 4 of the BRIP1 gene, results from an A to T substitution at nucleotide position 506. The glutamine at codon 169 is replaced by leucine, an amino acid with dissimilar properties. This nucleotide position is highly conserved in available vertebrate species. In silico splice site analysis predicts that this alteration will weaken the native splice donor site. RNA studies have demonstrated that this variant results in abnormal splicing in the set of samples tested (Ambry internal data). This variant is considered to be rare based on population cohorts in the Genome Aggregation Database (gnomAD). Based on the majority of available evidence to date, this variant is likely to be pathogenic.

NM_032043.3(BRIP1):c.506A>T (p.Gln169Leu)

Gene: BRIP1 (BRCA1 interacting DNA helicase 1; minus strand). Cytogenetic location: 17q23.2.
Variant type: single nucleotide variant.
Coding change: c.506A>T on transcript NM_032043.3 (MANE Select); coding-DNA position 506, A replaced by T.
Protein change: p.Gln169Leu; replaces glutamine 169 with leucine.
Molecular consequence: missense variant.
Genome position (GRCh38, 1-based): chr17:61,849,130, T>A on the plus strand (A>T on the coding strand, the complement: BRIP1 is on the minus strand). VCF-style: chr17-61849130-T-A. GRCh37 (hg19) VCF-style: chr17-59926491-T-A.
Other names: short protein forms Q169L.
Identifiers: ClinVar variation 3482452 (VCV003482452.2).